The following is an entry in ClinVar:

NM_000264.5(PTCH1):c.461A>T (p.Asn154Ile)

Gene: PTCH1 (patched 1; minus strand). Cytogenetic location: 9q22.32.
Variant type: single nucleotide variant.
Coding change: c.461A>T on transcript NM_000264.5 (MANE Select); coding-DNA position 461, A replaced by T.
Protein change: p.Asn154Ile; replaces asparagine 154 with isoleucine.
Molecular consequence: missense variant. On other transcripts: non-coding transcript variant (1).
Genome position (GRCh38, 1-based): chr9:95,485,808, T>A on the plus strand (A>T on the coding strand, the complement: PTCH1 is on the minus strand). VCF-style: chr9-95485808-T-A. GRCh37 (hg19) VCF-style: chr9-98248090-T-A.
Other names: c.263A>T, p.Asn88Ile (NM_001083602.3, NM_001354919.2); c.458A>T, p.Asn153Ile (NM_001083603.3); c.8A>T, p.Asn3Ile (NM_001083604.3, NM_001083605.3, NM_001083606.3 and 1 more transcripts); c.461A>T, p.Asn154Ile (NM_001354918.2); short protein forms N153I, N88I, N154I, N3I.
Identifiers: ClinVar variation 1420393 (VCV001420393.6), dbSNP rs1302474403, ClinGen allele CA374117080.
Genomic context (GRCh38, chr9:95,485,808, plus strand): 5'-GCTTCTGTGGTCAGGACATTAGCACCTTCTTCTTTAGGGGTCTGTATCATGAGTTGAGGA[T>A]TAAACATAGCCTCTTCTCCAATCTTCTGGCGAGTATAATTTAATTCACGACTTACTCGTC-3'
Protein context (NP_000255.2, residues 144-164): RQKIGEEAMF[Asn154Ile]PQLMIQTPKE

ClinVar aggregate classification (germline): Uncertain significance (1 of 4 stars; one submission).

Conditions:
Gorlin syndrome. Also called: Nevoid Basal Cell Carcinoma Syndrome; Basal cell nevus syndrome. Identifiers: Orphanet 377, MedGen C0004779, MONDO:0007187.

Submission:

Labcorp Genetics (formerly Invitae), Labcorp
Classification: Uncertain significance for Gorlin syndrome. Last evaluated: 2021-10-12. Review status: criteria provided, single submitter. Criteria: Invitae Variant Classification Sherloc (09022015). Collection method: clinical testing. Allele origin: germline.
Comment: In summary, the available evidence is currently insufficient to determine the role of this variant in disease. Therefore, it has been classified as a Variant of Uncertain Significance. Advanced modeling of protein sequence and biophysical properties (such as structural, functional, and spatial information, amino acid conservation, physicochemical variation, residue mobility, and thermodynamic stability) performed at Invitae indicates that this missense variant is not expected to disrupt PTCH1 protein function. This variant has not been reported in the literature in individuals affected with PTCH1-related conditions. This variant is not present in population databases (ExAC no frequency). This sequence change replaces asparagine with isoleucine at codon 154 of the PTCH1 protein (p.Asn154Ile). The asparagine residue is moderately conserved and there is a large physicochemical difference between asparagine and isoleucine.